The following is an entry in ClinVar:

ClinVar aggregate classification (germline): Uncertain significance (1 of 4 stars; one submission).

Conditions:
Neurodegeneration with brain iron accumulation 6 (NBIA6). Also called: COASY protein-associated neurodegeneration. Identifiers: Orphanet 397725, MedGen C4517377, MONDO:0014290, OMIM 615643.

Allele frequency attached by ClinVar (database versions not stated): ExAC 0.00001; gnomAD 0.00001; gnomAD exomes 0.00001 and 0.00004; TOPMed 0.00001.
gnomAD v4.1: 51 of 1,563,050 alleles (0.0033%); highest among the groups gnomAD compares: Non-Finnish European, 0.0041%; no homozygotes.

Submission:

Labcorp Genetics (formerly Invitae), Labcorp
Classification: Uncertain significance for Neurodegeneration with brain iron accumulation 6. Last evaluated: 2021-08-26. Review status: criteria provided, single submitter. Criteria: Invitae Variant Classification Sherloc (09022015). Collection method: clinical testing. Allele origin: germline.
Comment: This sequence change replaces isoleucine with threonine at codon 386 of the COASY protein (p.Ile386Thr). The isoleucine residue is highly conserved and there is a moderate physicochemical difference between isoleucine and threonine. This variant is present in population databases (rs762483890, ExAC 0.01%). This variant has not been reported in the literature in individuals affected with COASY-related conditions. Algorithms developed to predict the effect of missense changes on protein structure and function are either unavailable or do not agree on the potential impact of this missense change (SIFT: "Deleterious"; PolyPhen-2: "Probably Damaging"; Align-GVGD: "Class C0"). In summary, the available evidence is currently insufficient to determine the role of this variant in disease. Therefore, it has been classified as a Variant of Uncertain Significance.

NM_025233.7(COASY):c.1157T>C (p.Ile386Thr)

Gene: COASY (Coenzyme A synthase; plus strand). Cytogenetic location: 17q21.2.
Variant type: single nucleotide variant.
Coding change: c.1157T>C on transcript NM_025233.7 (MANE Select); coding-DNA position 1157, T replaced by C.
Protein change: p.Ile386Thr; replaces isoleucine 386 with threonine.
Molecular consequence: missense variant.
Genome position (GRCh38, 1-based): chr17:42,564,818, T>C. VCF-style: chr17-42564818-T-C. GRCh37 (hg19) VCF-style: chr17-40716836-T-C.
Other names: c.1157T>C, p.Ile386Thr (NM_001042529.3); c.1244T>C, p.Ile415Thr (NM_001042532.4); short protein forms I415T, I386T.
Identifiers: ClinVar variation 1446104 (VCV001446104.5), dbSNP rs762483890, ClinGen allele CA8578211.